The following is an entry in ClinVar:

NM_001903.5(CTNNA1):c.1834A>G (p.Ile612Val)

Gene: CTNNA1 (catenin alpha 1; plus strand). Cytogenetic location: 5q31.2.
Variant type: single nucleotide variant.
Coding change: c.1834A>G on transcript NM_001903.5 (MANE Select); coding-DNA position 1834, A replaced by G.
Protein change: p.Ile612Val; replaces isoleucine 612 with valine.
Molecular consequence: missense variant.
Genome position (GRCh38, 1-based): chr5:138,925,342, A>G. VCF-style: chr5-138925342-A-G. GRCh37 (hg19) VCF-style: chr5-138261031-A-G.
Other names: c.1834A>G, p.Ile612Val (NM_001290307.3, NM_001323982.2, NM_001323983.1 and 2 more transcripts); c.1525A>G, p.Ile509Val (NM_001290309.3); c.1465A>G, p.Ile489Val (NM_001290310.3); c.724A>G, p.Ile242Val (NM_001290312.1, NM_001323987.1, NM_001323988.1 and 17 more transcripts); c.1741A>G, p.Ile581Val (NM_001323986.2); c.385A>G, p.Ile129Val (NM_001324006.1, NM_001324007.1, NM_001324008.1 and 2 more transcripts); c.631A>G, p.Ile211Val (NM_001324011.1); c.481A>G, p.Ile161Val (NM_001324012.1, NM_001324013.1); and 1 more; short protein forms I161V, I242V, I509V, I211V, I489V, I129V, I581V, I612V.
Identifiers: ClinVar variation 1486257 (VCV001486257.7), dbSNP rs2150295242, ClinGen allele CA361132310.

ClinVar aggregate classification (germline): Uncertain significance. Review status: criteria provided, multiple submitters, no conflicts (2 of 4 stars). 2 submissions from 2 submitters: Uncertain significance (2). Last evaluated 2025-08-09.

Conditions:
Hereditary cancer-predisposing syndrome. Also called: Hereditary neoplastic syndrome; Neoplastic Syndromes, Hereditary; Hereditary Cancer Syndrome; Tumor predisposition. Identifiers: Orphanet 140162, MedGen C0027672, MeSH D009386, MONDO:0015356.

Submissions (2):

Ambry Genetics
Classification: Uncertain significance for Hereditary cancer-predisposing syndrome. Last evaluated: 2025-08-09. Review status: criteria provided, single submitter. Criteria: Ambry Variant Classification Scheme 2023. Collection method: clinical testing. Allele origin: germline.
Comment: The p.I612V variant (also known as c.1834A>G), located in coding exon 12 of the CTNNA1 gene, results from an A to G substitution at nucleotide position 1834. The isoleucine at codon 612 is replaced by valine, an amino acid with highly similar properties. This amino acid position is conserved. In addition, this alteration is predicted to be tolerated by in silico analysis. Based on the available evidence, the clinical significance of this variant remains unclear.

Labcorp Genetics (formerly Invitae), Labcorp
Classification: Uncertain significance. Last evaluated: 2021-10-12. Review status: criteria provided, single submitter. Criteria: Invitae Variant Classification Sherloc (09022015). Collection method: clinical testing. Allele origin: germline.
Comment: This variant is not present in population databases (ExAC no frequency). Algorithms developed to predict the effect of missense changes on protein structure and function (SIFT, PolyPhen-2, Align-GVGD) all suggest that this variant is likely to be tolerated. This variant has not been reported in the literature in individuals affected with CTNNA1-related conditions. This sequence change replaces isoleucine with valine at codon 612 of the CTNNA1 protein (p.Ile612Val). The isoleucine residue is highly conserved and there is a small physicochemical difference between isoleucine and valine. In summary, the available evidence is currently insufficient to determine the role of this variant in disease. Therefore, it has been classified as a Variant of Uncertain Significance.